The following is an entry in ClinVar:

ClinVar aggregate classification (germline): Uncertain significance. Review status: criteria provided, multiple submitters, no conflicts (2 of 4 stars). 2 submissions from 2 submitters: Uncertain significance (2). Last evaluated 2025-05-17.

Conditions:
Hereditary nonpolyposis colorectal neoplasms. Identifiers: MedGen C0009405, MeSH D003123.
Hereditary cancer-predisposing syndrome. Also called: Tumor predisposition; Hereditary neoplastic syndrome; Neoplastic Syndromes, Hereditary; Hereditary Cancer Syndrome. Identifiers: Orphanet 140162, MedGen C0027672, MeSH D009386, MONDO:0015356.

Submissions (2):

Labcorp Genetics (formerly Invitae), Labcorp
Classification: Uncertain significance for Hereditary nonpolyposis colorectal neoplasms. Last evaluated: 2025-05-17. Review status: criteria provided, single submitter. Criteria: Invitae Variant Classification Sherloc (09022015). Collection method: clinical testing. Allele origin: germline.
Comment: This sequence change replaces glutamine, which is neutral and polar, with leucine, which is neutral and non-polar, at codon 100 of the PMS2 protein (p.Gln100Leu). This variant is not present in population databases (gnomAD no frequency). This missense change has been observed in individual(s) with PMS2-related conditions (PMID: 34897210). ClinVar contains an entry for this variant (Variation ID: 1008800). Invitae Evidence Modeling incorporating data from in vitro experimental studies (internal data) indicates that this missense variant is not expected to disrupt PMS2 function with a negative predictive value of 95%. In summary, the available evidence is currently insufficient to determine the role of this variant in disease. Therefore, it has been classified as a Variant of Uncertain Significance.

Ambry Genetics
Classification: Uncertain significance for Hereditary cancer-predisposing syndrome. Last evaluated: 2024-11-08. Review status: criteria provided, single submitter. Criteria: Ambry Variant Classification Scheme 2023. Collection method: clinical testing. Allele origin: germline.
Comment: The p.Q100L variant (also known as c.299A>T), located in coding exon 4 of the PMS2 gene, results from an A to T substitution at nucleotide position 299. The glutamine at codon 100 is replaced by leucine, an amino acid with dissimilar properties. This amino acid position is not well conserved in available vertebrate species. In addition, this alteration is predicted to be tolerated by in silico analysis. Based on the available evidence, the clinical significance of this variant remains unclear.

Literature cited by the submitters: PubMed 34897210 (cited by Labcorp Genetics (formerly Invitae), Labcorp).

NM_000535.7(PMS2):c.299A>T (p.Gln100Leu)

Gene: PMS2 (PMS1 homolog 2, mismatch repair system component; minus strand). Cytogenetic location: 7p22.1.
Variant type: single nucleotide variant.
Coding change: c.299A>T on transcript NM_000535.7 (MANE Select); coding-DNA position 299, A replaced by T.
Protein change: p.Gln100Leu; replaces glutamine 100 with leucine.
Molecular consequence: missense variant. On other transcripts: 5 prime UTR variant (9), non-coding transcript variant (1), intron variant (2).
Genome position (GRCh38, 1-based): chr7:6,003,744, T>A on the plus strand (A>T on the coding strand, the complement: PMS2 is on the minus strand). VCF-style: chr7-6003744-T-A. GRCh37 (hg19) VCF-style: chr7-6043375-T-A.
Other names: c.-107A>T (NM_001322003.2, NM_001322004.2, NM_001322005.2 and 3 more transcripts); c.299A>T, p.Gln100Leu (NM_001322006.2, NM_001322014.2); c.-586A>T (NM_001322011.2, NM_001322012.2); c.-186A>T (NM_001322015.2); c.35+228A>T (NM_001322008.2, NM_001322007.2); short protein forms Q100L.
Identifiers: ClinVar variation 1008800 (VCV001008800.10), dbSNP rs747771951, ClinGen allele CA366744630.
Genomic context (GRCh38, chr7:6,003,744, plus strand): 5'-TATCACCTCAGTGCACAAAGTGAGCTCAGAGCTTCCCCCCGAAAGCCAAAAGTTTCAACC[T>A]GAGTTAGGTCGGCAAACTCTTGAATCTTAGATGTGTGATGTTTCAGAGCTGAAAGAGAGT-3'
Protein context (NP_000526.2, residues 90-110): SKIQEFADLT[Gln100Leu]VETFGFRGEA